The following is an entry in ClinVar:

NM_006158.5(NEFL):c.259C>T (p.Arg87Cys)

Gene: NEFL (neurofilament light chain; minus strand). Cytogenetic location: 8p21.2.
Variant type: single nucleotide variant.
Coding change: c.259C>T on transcript NM_006158.5 (MANE Select); coding-DNA position 259, C replaced by T.
Protein change: p.Arg87Cys; replaces arginine 87 with cysteine.
Molecular consequence: missense variant.
Genome position (GRCh38, 1-based): chr8:24,956,257, G>A on the plus strand (C>T on the coding strand, the complement: NEFL is on the minus strand). VCF-style: chr8-24956257-G-A. GRCh37 (hg19) VCF-style: chr8-24813771-G-A.
Other names: short protein forms R87C.
Identifiers: ClinVar variation 2430271 (VCV002430271.1), dbSNP rs2486888017, ClinGen allele CA370623014.

ClinVar aggregate classification (germline): Uncertain significance (1 of 4 stars; one submission).

Conditions:
Charcot-Marie-Tooth disease type 2E (CMT2E). Also called: CHARCOT-MARIE-TOOTH DISEASE, AXONAL, TYPE 2E; CHARCOT-MARIE-TOOTH NEUROPATHY, TYPE 2E. Identifiers: Orphanet 99939, MedGen C1843225, MONDO:0011894, OMIM 607684.

Allele frequency attached by ClinVar (database versions not stated): gnomAD exomes below 0.00001.

Submission:

Institute of Human Genetics, University of Leipzig Medical Center
Classification: Uncertain significance for Charcot-Marie-Tooth disease type 2E. Last evaluated: 2023-01-19. Review status: criteria provided, single submitter. Criteria: ACMG Guidelines, 2015. Collection method: clinical testing. Allele origin: de novo. Affected: yes.
Comment: This variant was identified in a mosaic constellation (14% in blood). Criteria applied: PM6, PM2_SUP, PP3